The following is an entry in ClinVar:

ClinVar aggregate classification (germline): Likely benign (0 of 4 stars; one submission).

Conditions:
PLXNA3-related disorder. Also called: PLXNA3-related condition.

gnomAD v4.1: 199 of 1,209,191 alleles (0.016%); highest among the groups gnomAD compares: Middle Eastern, 0.023%; no homozygotes.

Submission:

PreventionGenetics, part of Exact Sciences
Classification: Likely benign for PLXNA3-related condition. Last evaluated: 2024-03-19. Review status: no assertion criteria provided. Collection method: clinical testing. Allele origin: germline.
Comment: This variant is classified as likely benign based on ACMG/AMP sequence variant interpretation guidelines (Richards et al. 2015 PMID: 25741868, with internal and published modifications).

NM_017514.5(PLXNA3):c.133G>A (p.Val45Met)

Gene: PLXNA3 (plexin A3; plus strand). Cytogenetic location: Xq28.
Variant type: single nucleotide variant.
Coding change: c.133G>A on transcript NM_017514.5 (MANE Select); coding-DNA position 133, G replaced by A.
Protein change: p.Val45Met; replaces valine 45 with methionine.
Molecular consequence: missense variant.
Genome position (GRCh38, 1-based): chrX:154,460,316, G>A. VCF-style: chrX-154460316-G-A. GRCh37 (hg19) VCF-style: chrX-153688656-G-A.
Other names: short protein forms V45M.
Identifiers: ClinVar variation 3351231 (VCV003351231.1).